The following is an entry in ClinVar:

ClinVar aggregate classification (germline): Conflicting classifications of pathogenicity. Review status: criteria provided, conflicting classifications (1 of 4 stars). 4 submissions from 4 submitters: Uncertain significance (3); Likely benign (1). Last evaluated 2025-02-07.

Conditions:
Hereditary cancer-predisposing syndrome. Also called: Neoplastic Syndromes, Hereditary; Hereditary Cancer Syndrome; Hereditary neoplastic syndrome; Tumor predisposition. Identifiers: Orphanet 140162, MedGen C0027672, MeSH D009386, MONDO:0015356.
Cardiovascular phenotype. Identifiers: MedGen CN230736.
LZTR1-related schwannomatosis. Also called: Schwannomatosis 2; Schwannomatosis-2, susceptibility to. Identifiers: Orphanet 93921, MedGen C3810283, MONDO:0014299, OMIM 615670.

Allele frequency attached by ClinVar (database versions not stated): gnomAD exomes 0.00001.
gnomAD v4.1: 4 of 1,576,618 alleles (0.00025%); highest among the groups gnomAD compares: Non-Finnish European, 0.00034%; no homozygotes.

Submissions (4):

Labcorp Genetics (formerly Invitae), Labcorp
Classification: Uncertain significance. Last evaluated: 2025-02-07. Review status: criteria provided, single submitter. Criteria: Invitae Variant Classification Sherloc (09022015). Collection method: clinical testing. Allele origin: germline.
Comment: This sequence change replaces glycine, which is neutral and non-polar, with arginine, which is basic and polar, at codon 19 of the LZTR1 protein (p.Gly19Arg). This variant is present in population databases (no rsID available, gnomAD 0.002%). This variant has not been reported in the literature in individuals affected with LZTR1-related conditions. ClinVar contains an entry for this variant (Variation ID: 1435344). Invitae Evidence Modeling of protein sequence and biophysical properties (such as structural, functional, and spatial information, amino acid conservation, physicochemical variation, residue mobility, and thermodynamic stability) indicates that this missense variant is not expected to disrupt LZTR1 protein function with a negative predictive value of 80%. In summary, the available evidence is currently insufficient to determine the role of this variant in disease. Therefore, it has been classified as a Variant of Uncertain Significance.

Ambry Genetics
Classification: Likely benign for Cardiovascular phenotype; Hereditary cancer-predisposing syndrome. Last evaluated: 2024-12-31. Review status: criteria provided, single submitter. Criteria: Ambry Variant Classification Scheme 2023. Collection method: clinical testing. Allele origin: germline.

Women's Health and Genetics/Laboratory Corporation of America, LabCorp
Classification: Uncertain significance. Last evaluated: 2024-02-04. Review status: criteria provided, single submitter. Criteria: LabCorp Variant Classification Summary - May 2015. Collection method: clinical testing. Allele origin: germline.

Baylor Genetics
Classification: Uncertain significance for LZTR1-related schwannomatosis. Last evaluated: 2023-06-15. Review status: criteria provided, single submitter. Criteria: ACMG Guidelines, 2015. Collection method: clinical testing. Allele origin: unknown.

NM_006767.4(LZTR1):c.55G>C (p.Gly19Arg)

Genes: LZTR1 (leucine zipper like post translational regulator 1; plus strand), LOC130067016 (ATAC-STARR-seq lymphoblastoid silent region 13504; plus strand). Cytogenetic location: 22q11.21.
Variant type: single nucleotide variant.
Coding change: c.55G>C on transcript NM_006767.4 (MANE Select); coding-DNA position 55, G replaced by C.
Protein change: p.Gly19Arg; replaces glycine 19 with arginine.
Molecular consequence: missense variant.
Genome position (GRCh38, 1-based): chr22:20,982,426, G>C. VCF-style: chr22-20982426-G-C. GRCh37 (hg19) VCF-style: chr22-21336715-G-C.
Other names: short protein forms G19R.
Identifiers: ClinVar variation 1435344 (VCV001435344.13), dbSNP rs375788038, ClinGen allele CA322316108.
Genomic context (GRCh38, chr22:20,982,426, plus strand): 5'-CCCGGGATGGCTGGACCGGGCAGCACGGGGGGGCAGATCGGGGCTGCGGCCCTGGCAGGC[G>C]GCGCGCGGTCCAAGGTAGCCCCGAGCGTGGACTTCGACCATAGCTGCTCGGACAGTGTCG-3'
Protein context (NP_006758.2, residues 9-29): GQIGAAALAG[Gly19Arg]ARSKVAPSVD